The following is an entry in ClinVar:

ClinVar aggregate classification (germline): Uncertain significance (1 of 4 stars; one submission).

Submission:

GeneDx
Classification: Uncertain significance. Last evaluated: 2026-04-08. Review status: criteria provided, single submitter. Criteria: GeneDx Variant Classification Process June 2021. Collection method: clinical testing. Allele origin: germline.
Comment: Not observed at significant frequency in large population cohorts (gnomAD); In silico analysis supports that this missense variant has a deleterious effect on protein structure/function; Has not been previously published as pathogenic or benign to our knowledge

NM_024721.5(ZFHX4):c.2967G>C (p.Lys989Asn)

Gene: ZFHX4 (zinc finger homeobox 4; plus strand). Cytogenetic location: 8q21.13.
Variant type: single nucleotide variant.
Coding change: c.2967G>C on transcript NM_024721.5 (MANE Select); coding-DNA position 2967, G replaced by C.
Protein change: p.Lys989Asn; replaces lysine 989 with asparagine.
Molecular consequence: missense variant.
Genome position (GRCh38, 1-based): chr8:76,707,922, G>C. VCF-style: chr8-76707922-G-C. GRCh37 (hg19) VCF-style: chr8-77620157-G-C.
Other names: c.2889G>C, p.Lys963Asn (NM_001410934.1); short protein forms K963N, K989N.
Identifiers: ClinVar variation 5018267 (VCV005018267.1).